The following is an entry in ClinVar:

ClinVar aggregate classification (germline): Uncertain significance. Review status: criteria provided, single submitter (1 of 4 stars). 2 submissions from 2 submitters: Uncertain significance (1). 1 of the submissions does not count toward it. Last evaluated 2022-07-15.

Conditions:
Cystinosis. Also called: Cystine diathesis; Cystine storage disease; Cystinoses. Identifiers: Orphanet 213, MedGen C4316899, MONDO:0016239.
Inborn genetic diseases. Identifiers: MedGen C0950123, MeSH D030342.
Juvenile nephropathic cystinosis. Also called: Intermediate Cystinosis; CYSTINOSIS, LATE-ONSET JUVENILE OR ADOLESCENT NEPHROPATHIC TYPE; Later-Onset (Juvenile) Cystinosis. Identifiers: Orphanet 213, Orphanet 411634, MedGen C0268626, MONDO:0009066, OMIM 219900.
Ocular cystinosis. Also called: Non-Nephropathic Cystinosis; Non-Nephropathic (Ocular) Cystinosis. Identifiers: Orphanet 213, Orphanet 411641, MedGen C2931013, MONDO:0009064, OMIM 219750.

Submissions (2):

Labcorp Genetics (formerly Invitae), Labcorp
Classification: Uncertain significance for Inborn genetic diseases; Ocular cystinosis; Juvenile nephropathic cystinosis. Last evaluated: 2022-07-15. Review status: criteria provided, single submitter. Criteria: Invitae Variant Classification Sherloc (09022015). Collection method: clinical testing. Allele origin: germline.
Comment: This sequence change replaces isoleucine, which is neutral and non-polar, with methionine, which is neutral and non-polar, at codon 133 of the CTNS protein (p.Ile133Met). This variant is not present in population databases (gnomAD no frequency). This variant has not been reported in the literature in individuals affected with CTNS-related conditions. Advanced modeling of protein sequence and biophysical properties (such as structural, functional, and spatial information, amino acid conservation, physicochemical variation, residue mobility, and thermodynamic stability) performed at Invitae indicates that this missense variant is not expected to disrupt CTNS protein function. Algorithms developed to predict the effect of sequence changes on RNA splicing suggest that this variant may disrupt the consensus splice site. In summary, the available evidence is currently insufficient to determine the role of this variant in disease. Therefore, it has been classified as a Variant of Uncertain Significance.

Natera, Inc.
Classification: Uncertain significance for Cystinosis. Last evaluated: 2025-02-10. Review status: no assertion criteria provided. Collection method: clinical testing. Allele origin: germline. Not counted in ClinVar's aggregate classification.

NM_004937.3(CTNS):c.399C>G (p.Ile133Met)

Genes: CTNS (cystinosin, lysosomal cystine transporter; plus strand), CTNS-AS1 (CTNS antisense RNA 1; minus strand). Cytogenetic location: 17p13.2.
Variant type: single nucleotide variant.
Coding change: c.399C>G on transcript NM_004937.3 (MANE Select); coding-DNA position 399, C replaced by G.
Protein change: p.Ile133Met; replaces isoleucine 133 with methionine.
Molecular consequence: missense variant. On other transcripts: 5 prime UTR variant (4).
Genome position (GRCh38, 1-based): chr17:3,655,290, C>G. VCF-style: chr17-3655290-C-G. GRCh37 (hg19) VCF-style: chr17-3558584-C-G.
Other names: c.399C>G (NM_004937.2); c.399C>G, p.Ile133Met (NM_001031681.3, NM_001374492.1); c.-43C>G (NM_001374493.1, NM_001374494.1, NM_001374495.1 and 1 more transcripts); short protein forms I133M.
Identifiers: ClinVar variation 2017562 (VCV002017562.2), dbSNP rs2076100651, ClinGen allele CA397690720.